The following is an entry in ClinVar:

ClinVar aggregate classification (germline): Uncertain significance (1 of 4 stars; one submission).

Conditions:
Malignant hyperthermia, susceptibility to, 1 (MHS1). Also called: Anesthesia related hyperthermia; Malignant hyperpyrexia; Fulminating hyperpyrexia; Pharmacogenic myopathy; RYR1-Related Malignant Hyperthermia Susceptibility; Malignant hyperthermia suceptibility 1. Identifiers: Orphanet 423, MedGen C2930980, MONDO:0007783, OMIM 145600.

gnomAD v4.1: 1 of 1,614,160 alleles (0.000062%); highest among the groups gnomAD compares: Non-Finnish European, 0.000085%; no homozygotes.

Submission:

All of Us Research Program, National Institutes of Health
Classification: Uncertain significance for Malignant hyperthermia, susceptibility to, 1. Last evaluated: 2024-01-11. Review status: criteria provided, single submitter. Criteria: ACMG Guidelines, 2015. Collection method: clinical testing. Allele origin: germline. Inheritance: Autosomal dominant inheritance. Observed: 1 variant allele, 1 heterozygote.
Comment: This study involves interpretation of variants in research participants for the purpose of population health screening. Participant phenotype was not available at the time of variant classification. Additional details can be found in publication PMID: 35346344, PMCID: PMC8962531

NM_000540.3(RYR1):c.8221G>A (p.Glu2741Lys)

Gene: RYR1 (ryanodine receptor 1; plus strand). Cytogenetic location: 19q13.2.
Variant type: single nucleotide variant.
Coding change: c.8221G>A on transcript NM_000540.3 (MANE Select); coding-DNA position 8221, G replaced by A.
Protein change: p.Glu2741Lys; replaces glutamic acid 2741 with lysine.
Molecular consequence: missense variant.
Genome position (GRCh38, 1-based): chr19:38,504,901, G>A. VCF-style: chr19-38504901-G-A. GRCh37 (hg19) VCF-style: chr19-38995541-G-A.
Other names: c.8221G>A, p.Glu2741Lys (NM_001042723.2); short protein forms E2741K.
Identifiers: ClinVar variation 3075007 (VCV003075007.1), dbSNP rs1300064574, ClinGen allele CA405676993.